The following is an entry in ClinVar:

NM_002519.3(NPAT):c.1234G>T (p.Asp412Tyr)

Gene: NPAT (nuclear protein, coactivator of histone transcription; minus strand). Cytogenetic location: 11q22.3.
Variant type: single nucleotide variant.
Coding change: c.1234G>T on transcript NM_002519.3 (MANE Select); coding-DNA position 1234, G replaced by T.
Protein change: p.Asp412Tyr; replaces aspartic acid 412 with tyrosine.
Molecular consequence: missense variant.
Genome position (GRCh38, 1-based): chr11:108,173,750, C>A on the plus strand (G>T on the coding strand, the complement: NPAT is on the minus strand). VCF-style: chr11-108173750-C-A. GRCh37 (hg19) VCF-style: chr11-108044477-C-A.
Other names: c.1234G>T, p.Asp412Tyr (NM_001321307.1); short protein forms D412Y.
Identifiers: ClinVar variation 1756518 (VCV001756518.2), dbSNP rs758724995, ClinGen allele CA6264040.

ClinVar aggregate classification (germline): Uncertain significance (1 of 4 stars; one submission).

Allele frequency attached by ClinVar (database versions not stated): ExAC 0.00001; gnomAD 0.00001; TOPMed 0.00001.
gnomAD v4.1: 11 of 1,613,944 alleles (0.00068%); highest among the groups gnomAD compares: Middle Eastern, 0.016%; no homozygotes.

Submission:

Ambry Genetics
Classification: Uncertain significance. Last evaluated: 2024-01-17. Review status: criteria provided, single submitter. Criteria: Ambry Variant Classification Scheme 2023. Collection method: clinical testing. Allele origin: germline.
Comment: The p.D412Y variant (also known as c.1234G>T), located in coding exon 13 of the NPAT gene, results from a G to T substitution at nucleotide position 1234. The aspartic acid at codon 412 is replaced by tyrosine, an amino acid with highly dissimilar properties. This amino acid position is conserved. In addition, this alteration is predicted to be tolerated by in silico analysis. Since supporting evidence is limited at this time, the clinical significance of this alteration remains unclear.